The following is an entry in ClinVar:

ClinVar aggregate classification (germline): Likely pathogenic (0 of 4 stars; one submission).

Submission:

Department of Pathology and Laboratory Medicine, Sinai Health System
Classification: Likely pathogenic. Review status: no assertion criteria provided. Collection method: clinical testing. Allele origin: unknown. Affected: yes. Study: The Canadian Open Genetics Repository (COGR).
Comment: The CENPF p.Val2126* variant was not identified in the literature nor was it identified in dbSNP, ClinVar, Cosmic, LOVD 3.0 or in the following control databases: the 1000 Genomes Project, the NHLBI GO Exome Sequencing Project, the Exome Aggregation Consortium (August 8th 2016), or the Genome Aggregation Database (Feb 27, 2017). The c.6376_6387delinsTGAAAAGAA variant leads to a premature stop codon at position 2126 which is predicted to lead to a truncated or absent protein and loss of function. Loss of function variants of the CENPF gene are an established mechanism of disease in Stromme syndrome and is the type of variant expected to cause the disorder when found in the homozygous or compound heterozygous state with another pathogenic variant. In summary, based on the above information the clinical significance of this variant cannot be determined with certainty at this time although we would lean towards a more pathogenic role for this variant. This variant is classified as likely pathogenic.

NM_016343.4(CENPF):c.6376_6387delinsTGAAAAGAA (p.Val2126_Glu2129delinsTer)

Gene: CENPF (centromere protein F; plus strand). Cytogenetic location: 1q41.
Variant type: Indel.
Coding change: c.6376_6387delinsTGAAAAGAA on transcript NM_016343.4 (MANE Select); coding-DNA positions 6376 to 6387, GTTCGCATTGAG replaced by TGAAAAGAA.
Protein change: p.Val2126_Glu2129delinsTer.
Molecular consequence: nonsense.
Genome position (GRCh38, 1-based): chr1:214,645,946-214,645,957, GTTCGCATTGAG replaced by TGAAAAGAA. VCF-style: chr1-214645946-GTTCGCATTGAG-TGAAAAGAA. GRCh37 (hg19) VCF-style: chr1-214819289-GTTCGCATTGAG-TGAAAAGAA.
Identifiers: ClinVar variation 1049295 (VCV001049295.1), dbSNP rs2102566615, ClinGen allele CA2499214444.